The following is an entry in ClinVar:

NM_015192.4(PLCB1):c.2969T>C (p.Ile990Thr)

Gene: PLCB1 (phospholipase C beta 1; plus strand). Cytogenetic location: 20p12.3.
Variant type: single nucleotide variant.
Coding change: c.2969T>C on transcript NM_015192.4 (MANE Select); coding-DNA position 2969, T replaced by C.
Protein change: p.Ile990Thr; replaces isoleucine 990 with threonine.
Molecular consequence: missense variant.
Genome position (GRCh38, 1-based): chr20:8,774,577, T>C. VCF-style: chr20-8774577-T-C. GRCh37 (hg19) VCF-style: chr20-8755224-T-C.
Other names: c.2969T>C, p.Ile990Thr (NM_182734.3); short protein forms I990T.
Identifiers: ClinVar variation 1399488 (VCV001399488.5), dbSNP rs758174226, ClinGen allele CA9760430.

ClinVar aggregate classification (germline): Uncertain significance (1 of 4 stars; one submission).

Conditions:
Developmental and epileptic encephalopathy, 12 (DEE12). Identifiers: MedGen C3150988, MONDO:0013389, OMIM 613722.

Allele frequency attached by ClinVar (database versions not stated): gnomAD exomes below 0.00001; ExAC 0.00001; gnomAD 0.00001.
gnomAD v4.1: 8 of 1,613,486 alleles (0.0005%); highest among the groups gnomAD compares: South Asian, 0.0033%; no homozygotes.

Submission:

Labcorp Genetics (formerly Invitae), Labcorp
Classification: Uncertain significance for Developmental and epileptic encephalopathy, 12. Last evaluated: 2021-08-24. Review status: criteria provided, single submitter. Criteria: Invitae Variant Classification Sherloc (09022015). Collection method: clinical testing. Allele origin: germline.
Comment: This sequence change replaces isoleucine with threonine at codon 990 of the PLCB1 protein (p.Ile990Thr). The isoleucine residue is moderately conserved and there is a moderate physicochemical difference between isoleucine and threonine. This variant is present in population databases (rs758174226, ExAC 0.006%). This variant has not been reported in the literature in individuals affected with PLCB1-related conditions. Algorithms developed to predict the effect of missense changes on protein structure and function (SIFT, PolyPhen-2, Align-GVGD) all suggest that this variant is likely to be tolerated. In summary, the available evidence is currently insufficient to determine the role of this variant in disease. Therefore, it has been classified as a Variant of Uncertain Significance.